The following is an entry in ClinVar:

ClinVar aggregate classification (germline): Uncertain significance. Review status: criteria provided, multiple submitters, no conflicts (2 of 4 stars). 4 submissions from 4 submitters: Uncertain significance (4). Last evaluated 2025-07-08.

Conditions:
Intellectual disability, autosomal dominant 16 (CSS4). Also called: COFFIN-SIRIS SYNDROME 4. Identifiers: Orphanet 1465, MedGen C3553249, MONDO:0013821, OMIM 614609.
Rhabdoid tumor predisposition syndrome 2 (RTPS2). Identifiers: Orphanet 231108, Orphanet 69077, MedGen C2750074, MONDO:0013224, OMIM 613325.
SMARCA4-related disorder. Also called: SMARCA4-related condition.
Hereditary cancer-predisposing syndrome. Also called: Neoplastic Syndromes, Hereditary; Hereditary Cancer Syndrome; Tumor predisposition; Hereditary neoplastic syndrome. Identifiers: Orphanet 140162, MedGen C0027672, MeSH D009386, MONDO:0015356.

Allele frequency attached by ClinVar (database versions not stated): gnomAD 0.00001; gnomAD exomes 0.00001.
gnomAD v4.1: 11 of 1,613,938 alleles (0.00068%); highest among the groups gnomAD compares: African/African-American, 0.0013%; no homozygotes.

Submissions (4):

Labcorp Genetics (formerly Invitae), Labcorp
Classification: Uncertain significance for Rhabdoid tumor predisposition syndrome 2. Last evaluated: 2025-07-08. Review status: criteria provided, single submitter. Criteria: Invitae Variant Classification Sherloc (09022015). Collection method: clinical testing. Allele origin: germline.
Comment: This sequence change replaces proline, which is neutral and non-polar, with leucine, which is neutral and non-polar, at codon 647 of the SMARCA4 protein (p.Pro647Leu). This variant is not present in population databases (gnomAD no frequency). This variant has not been reported in the literature in individuals affected with SMARCA4-related conditions. ClinVar contains an entry for this variant (Variation ID: 834779). Invitae Evidence Modeling of protein sequence and biophysical properties (such as structural, functional, and spatial information, amino acid conservation, physicochemical variation, residue mobility, and thermodynamic stability) indicates that this missense variant is expected to disrupt SMARCA4 protein function with a positive predictive value of 95%. In summary, the available evidence is currently insufficient to determine the role of this variant in disease. Therefore, it has been classified as a Variant of Uncertain Significance.

PreventionGenetics, part of Exact Sciences
Classification: Uncertain significance for SMARCA4-related condition. Last evaluated: 2024-12-04. Review status: criteria provided, single submitter. Criteria: ACMG Guidelines, 2015. Collection method: clinical testing. Allele origin: germline.
Comment: The SMARCA4 c.1940C>T variant is predicted to result in the amino acid substitution p.Pro647Leu. To our knowledge, this variant has not been reported in the literature or in a large population database, indicating this variant is rare. At this time, the clinical significance of this variant is uncertain due to the absence of conclusive functional and genetic evidence.

Ambry Genetics
Classification: Uncertain significance for Hereditary cancer-predisposing syndrome. Last evaluated: 2024-10-18. Review status: criteria provided, single submitter. Criteria: Ambry Variant Classification Scheme 2023. Collection method: clinical testing. Allele origin: germline.
Comment: The p.P647L variant (also known as c.1940C>T), located in coding exon 11 of the SMARCA4 gene, results from a C to T substitution at nucleotide position 1940. The proline at codon 647 is replaced by leucine, an amino acid with similar properties. This amino acid position is highly conserved in available vertebrate species. In addition, this alteration is predicted to be deleterious by in silico analysis. Based on the available evidence, the clinical significance of this variant remains unclear.

Fulgent Genetics
Classification: Uncertain significance for Rhabdoid tumor predisposition syndrome 2; Intellectual disability, autosomal dominant 16. Last evaluated: 2021-09-27. Review status: criteria provided, single submitter. Criteria: ACMG Guidelines, 2015. Collection method: clinical testing. Allele origin: unknown.

NM_003072.5(SMARCA4):c.1940C>T (p.Pro647Leu)

Gene: SMARCA4 (SWI/SNF related BAF chromatin remodeling complex subunit ATPase 4; plus strand). Cytogenetic location: 19p13.2.
Variant type: single nucleotide variant.
Coding change: c.1940C>T on transcript NM_003072.5 (MANE Select); coding-DNA position 1940, C replaced by T.
Protein change: p.Pro647Leu; replaces proline 647 with leucine.
Molecular consequence: missense variant. On other transcripts: non-coding transcript variant (1).
Genome position (GRCh38, 1-based): chr19:11,003,156, C>T. VCF-style: chr19-11003156-C-T. GRCh37 (hg19) VCF-style: chr19-11113832-C-T.
Other names: c.1940C>T, p.Pro647Leu (NM_001128844.3, NM_001128845.2, NM_001128846.2 and 4 more transcripts); short protein forms P647L.
Identifiers: ClinVar variation 834779 (VCV000834779.16), dbSNP rs2087817276, ClinGen allele CA404051726.